The following is an entry in ClinVar:

ClinVar aggregate classification (germline): Uncertain significance (1 of 4 stars; one submission).

Conditions:
Primary ciliary dyskinesia. Also called: Ciliary dyskinesia. Identifiers: Orphanet 244, MedGen C0008780, MONDO:0016575, HP:0012265.

gnomAD v4.1: 2 of 1,614,084 alleles (0.00012%); highest among the groups gnomAD compares: East Asian, 0.0045%; no homozygotes.

Submission:

Ambry Genetics
Classification: Uncertain significance for Primary ciliary dyskinesia. Last evaluated: 2021-12-13. Review status: criteria provided, single submitter. Criteria: Ambry Variant Classification Scheme 2023. Collection method: clinical testing. Allele origin: germline.
Comment: The p.N975H variant (also known as c.2923A>C), located in coding exon 18 of the ARMC4 gene, results from an A to C substitution at nucleotide position 2923. The asparagine at codon 975 is replaced by histidine, an amino acid with similar properties. This amino acid position is conserved. In addition, this alteration is predicted to be tolerated by in silico analysis. Since supporting evidence is limited at this time, the clinical significance of this alteration remains unclear.

NM_018076.5(ODAD2):c.2923A>C (p.Asn975His)

Gene: ODAD2 (outer dynein arm docking complex subunit 2; minus strand). Cytogenetic location: 10p12.1.
Variant type: single nucleotide variant.
Coding change: c.2923A>C on transcript NM_018076.5 (MANE Select); coding-DNA position 2923, A replaced by C.
Protein change: p.Asn975His; replaces asparagine 975 with histidine.
Molecular consequence: missense variant.
Genome position (GRCh38, 1-based): chr10:27,860,723, T>G on the plus strand (A>C on the coding strand, the complement: ODAD2 is on the minus strand). VCF-style: chr10-27860723-T-G. GRCh37 (hg19) VCF-style: chr10-28149652-T-G.
Other names: c.2923A>C, p.Asn975His (NM_001290020.2); c.1498A>C, p.Asn500His (NM_001290021.2); c.1999A>C, p.Asn667His (NM_001312689.2); short protein forms N500H, N667H, N975H.
Identifiers: ClinVar variation 1799784 (VCV001799784.2), dbSNP rs145526722, ClinGen allele CA5453067.
Genomic context (GRCh38, chr10:27,860,723, plus strand): 5'-CGGCGTCTTCTGAGAGTTGGTACAAGGCCTGAGCTGTCGCCCGATGCACGTTGGTGTCAT[T>G]TGATTTCAGATAACGCACTAGTGGAGCCACTGCTTTGTGCTCACCGAAGGCCACTCTATT-3'
Protein context (NP_060546.2, residues 965-985): VAPLVRYLKS[Asn975His]DTNVHRATAQ